The following is an entry in ClinVar:

NM_000038.6(APC):c.6175G>T (p.Asp2059Tyr)

Gene: APC (APC regulator of Wnt signaling pathway; plus strand). Cytogenetic location: 5q22.2.
Variant type: single nucleotide variant.
Coding change: c.6175G>T on transcript NM_000038.6 (MANE Select); coding-DNA position 6175, G replaced by T.
Protein change: p.Asp2059Tyr; replaces aspartic acid 2059 with tyrosine.
Molecular consequence: missense variant.
Genome position (GRCh38, 1-based): chr5:112,841,769, G>T. VCF-style: chr5-112841769-G-T. GRCh37 (hg19) VCF-style: chr5-112177466-G-T.
Other names: c.6175G>T, p.Asp2059Tyr (NM_001127510.3, NM_001354895.2, NM_001407450.1); c.6121G>T, p.Asp2041Tyr (NM_001127511.3); c.6229G>T, p.Asp2077Tyr (NM_001354896.2, NM_001407447.1, NM_001407448.1 and 1 more transcripts); c.6205G>T, p.Asp2069Tyr (NM_001354897.2); c.6100G>T, p.Asp2034Tyr (NM_001354898.2); c.6091G>T, p.Asp2031Tyr (NM_001354899.2); c.6052G>T, p.Asp2018Tyr (NM_001354900.2); c.5998G>T, p.Asp2000Tyr (NM_001354901.2, NM_001407453.1); and 11 more; short protein forms D1675Y, D1776Y, D1899Y, D1930Y, D1933Y, D1958Y, D1968Y, D1976Y.
Identifiers: ClinVar variation 1710849 (VCV001710849.3), dbSNP rs1766153701, ClinGen allele CA16034854.

ClinVar aggregate classification (germline): Uncertain significance. Review status: criteria provided, multiple submitters, no conflicts (2 of 4 stars). 2 submissions from 2 submitters: Uncertain significance (2). Last evaluated 2024-05-25.

Conditions:
Hereditary cancer-predisposing syndrome. Also called: Neoplastic Syndromes, Hereditary; Tumor predisposition; Hereditary Cancer Syndrome; Hereditary neoplastic syndrome. Identifiers: Orphanet 140162, MedGen C0027672, MeSH D009386, MONDO:0015356.

Submissions (2):

Ambry Genetics
Classification: Uncertain significance for Hereditary cancer-predisposing syndrome. Last evaluated: 2024-05-25. Review status: criteria provided, single submitter. Criteria: Ambry Variant Classification Scheme 2023. Collection method: clinical testing. Allele origin: germline.
Comment: The p.D2059Y variant (also known as c.6175G>T), located in coding exon 15 of the APC gene, results from a G to T substitution at nucleotide position 6175. The aspartic acid at codon 2059 is replaced by tyrosine, an amino acid with highly dissimilar properties. This amino acid position is conserved. In addition, in silico predictors for this gene do not accurately predict pathogenicity. Based on the available evidence, the clinical significance of this variant remains unclear.

GeneDx
Classification: Uncertain significance. Last evaluated: 2022-04-14. Review status: criteria provided, single submitter. Criteria: GeneDx Variant Classification Process June 2021. Collection method: clinical testing. Allele origin: germline. Affected: yes.
Comment: Not observed at significant frequency in large population cohorts (gnomAD); In silico analysis supports that this missense variant does not alter protein structure/function; Has not been previously published as pathogenic or benign to our knowledge